The following is an entry in ClinVar:

ClinVar aggregate classification (germline): Uncertain significance (1 of 4 stars; one submission).

Conditions:
Fibrous dysplasia of jaw (CRBM). Also called: Cherubism. Identifiers: Orphanet 184, MedGen C0008029, MONDO:0007315, OMIM 118400.

Allele frequency attached by ClinVar (database versions not stated): gnomAD exomes below 0.00001.
gnomAD v4.1: 4 of 1,608,404 alleles (0.00025%); highest among the groups gnomAD compares: Non-Finnish European, 0.00034%; no homozygotes.

Submission:

Labcorp Genetics (formerly Invitae), Labcorp
Classification: Uncertain significance for Fibrous dysplasia of jaw. Last evaluated: 2025-02-09. Review status: criteria provided, single submitter. Criteria: Invitae Variant Classification Sherloc (09022015). Collection method: clinical testing. Allele origin: germline.
Comment: This sequence change replaces methionine, which is neutral and non-polar, with valine, which is neutral and non-polar, at codon 396 of the SH3BP2 protein (p.Met396Val). This variant is not present in population databases (gnomAD no frequency). This variant has not been reported in the literature in individuals affected with SH3BP2-related conditions. ClinVar contains an entry for this variant (Variation ID: 2994048). Invitae Evidence Modeling of protein sequence and biophysical properties (such as structural, functional, and spatial information, amino acid conservation, physicochemical variation, residue mobility, and thermodynamic stability) indicates that this missense variant is not expected to disrupt SH3BP2 protein function with a negative predictive value of 80%. In summary, the available evidence is currently insufficient to determine the role of this variant in disease. Therefore, it has been classified as a Variant of Uncertain Significance.

NM_001122681.2(SH3BP2):c.1186A>G (p.Met396Val)

Gene: SH3BP2 (SH3 domain binding protein 2; plus strand). Cytogenetic location: 4p16.3.
Variant type: single nucleotide variant.
Coding change: c.1186A>G on transcript NM_001122681.2 (MANE Select); coding-DNA position 1186, A replaced by G.
Protein change: p.Met396Val; replaces methionine 396 with valine.
Molecular consequence: missense variant.
Genome position (GRCh38, 1-based): chr4:2,830,092, A>G. VCF-style: chr4-2830092-A-G. GRCh37 (hg19) VCF-style: chr4-2831819-A-G.
Other names: c.1270A>G, p.Met424Val (NM_001145855.2); c.1357A>G, p.Met453Val (NM_001145856.2); c.1186A>G, p.Met396Val (NM_003023.4); short protein forms M396V, M453V, M424V.
Identifiers: ClinVar variation 2994048 (VCV002994048.3), dbSNP rs1724900953, ClinGen allele CA356057318.